The following is an entry in ClinVar:

ClinVar aggregate classification (germline): Pathogenic (1 of 4 stars; one submission).

Conditions:
Nephronophthisis. Also called: Juvenile Nephronophthisis. Identifiers: Orphanet 655, MedGen C0687120, MONDO:0019005, HP:0000090.

Submission:

Labcorp Genetics (formerly Invitae), Labcorp
Classification: Pathogenic for Nephronophthisis. Last evaluated: 2025-12-09. Review status: criteria provided, single submitter. Criteria: Invitae Variant Classification Sherloc (09022015). Collection method: clinical testing. Allele origin: germline.
Comment: This sequence change creates a premature translational stop signal (p.Leu550Phefs*2) in the NPHP1 gene. It is expected to result in an absent or disrupted protein product. Loss-of-function variants in NPHP1 are known to be pathogenic (PMID: 23559409). This variant is not present in population databases (gnomAD no frequency). This variant has not been reported in the literature in individuals affected with NPHP1-related conditions. Algorithms developed to predict the effect of sequence changes on RNA splicing suggest that this variant may disrupt the consensus splice site. For these reasons, this variant has been classified as Pathogenic.

Literature cited by the submitters: PubMed 23559409.

NM_001128178.3(NPHP1):c.1480del (p.Leu494fs)

Gene: NPHP1 (nephrocystin 1; minus strand). Cytogenetic location: 2q13.
Variant type: Deletion.
Coding change: c.1480del on transcript NM_001128178.3 (MANE Select); coding-DNA position 1480, one base deleted (C; older notation c.1480delC).
Protein change: p.Leu494fs; shifts the reading frame from leucine 494.
Molecular consequence: frameshift variant.
Genome position (GRCh38, 1-based): chr2:110,143,591, G deleted on the plus strand (C on the coding strand, the reverse complement: NPHP1 is on the minus strand). VCF-style (leftmost placement, unchanged base first): chr2-110143590-AG-A. GRCh37 (hg19) VCF-style: chr2-110901167-AG-A.
Other names: c.1648del, p.Leu550fs (NM_000272.5); c.1291del, p.Leu431fs (NM_001128179.3); c.1477del, p.Leu493fs (NM_001374256.1); c.1480del, p.Leu494fs (NM_001374257.1); c.1645del, p.Leu549fs (NM_207181.4); short protein forms L431fs, L493fs, L494fs, L549fs, L550fs.
Identifiers: ClinVar variation 4799456 (VCV004799456.1).